The following is an entry in ClinVar:

NM_000548.5(TSC2):c.4705dup (p.Tyr1569fs)

Gene: TSC2 (TSC complex subunit 2; plus strand). Cytogenetic location: 16p13.3.
Variant type: Duplication.
Coding change: c.4705dup on transcript NM_000548.5 (MANE Select); coding-DNA position 4705, one base duplicated (T; older notation c.4705dupT).
Protein change: p.Tyr1569fs; shifts the reading frame from tyrosine 1569.
Molecular consequence: frameshift variant. On other transcripts: non-coding transcript variant (5).
Genome position (GRCh38, 1-based): chr16:2,086,235, T duplicated. VCF-style (leftmost placement, unchanged base first): chr16-2086234-C-CT. GRCh37 (hg19) VCF-style: chr16-2136235-C-CT.
Other names: c.4504dup, p.Tyr1502fs (NM_001077183.3); c.4636dup, p.Tyr1546fs (NM_001114382.3); c.4396dup, p.Tyr1466fs (NM_001318827.2); c.4360dup, p.Tyr1454fs (NM_001318829.2); c.3973dup, p.Tyr1325fs (NM_001318831.2); c.4537dup, p.Tyr1513fs (NM_001318832.2); c.4507dup, p.Tyr1503fs (NM_001363528.2); c.4573dup, p.Tyr1525fs (NM_001370404.1); and 26 more; short protein forms Y1054fs, Y1303fs, Y1346fs, Y1502fs, Y1503fs, Y1526fs, Y1545fs, Y1498fs.
Identifiers: ClinVar variation 2713137 (VCV002713137.3), dbSNP rs2544369839, ClinGen allele CA2697549433.
Genomic context (GRCh38, chr16:2,086,234, plus strand): 5'-CTCTCCCCTCTCCCCACAGAGCAACAGCGAGCTCGCCATCCTGTCCAATGAGCATGGCTC[C>CT]TACAGGTACACGGAGTTCCTGACGGGCCTGGGCCGGCTCATCGAGCTGAAGGACTGCCAG-3'

ClinVar aggregate classification (germline): Pathogenic (1 of 4 stars; one submission).

Conditions:
Tuberous sclerosis 2 (TSC2). Identifiers: Orphanet 805, MedGen C1860707, MONDO:0013199, OMIM 613254.

Submission:

Labcorp Genetics (formerly Invitae), Labcorp
Classification: Pathogenic for Tuberous sclerosis 2. Last evaluated: 2023-06-14. Review status: criteria provided, single submitter. Criteria: Invitae Variant Classification Sherloc (09022015). Collection method: clinical testing. Allele origin: germline.
Comment: This sequence change creates a premature translational stop signal (p.Tyr1569Leufs*34) in the TSC2 gene. It is expected to result in an absent or disrupted protein product. Loss-of-function variants in TSC2 are known to be pathogenic (PMID: 10205261, 17304050). This variant is not present in population databases (gnomAD no frequency). For these reasons, this variant has been classified as Pathogenic. Algorithms developed to predict the effect of sequence changes on RNA splicing suggest that this variant may create or strengthen a splice site. This variant has not been reported in the literature in individuals affected with TSC2-related conditions.

Literature cited by the submitters: PubMed 10205261; PubMed 17304050.